The following is an entry in ClinVar:

NM_198506.5(LRIT3):c.233A>G (p.Tyr78Cys)

Gene: LRIT3 (leucine rich repeat, Ig-like and transmembrane domains 3; plus strand). Cytogenetic location: 4q25.
Variant type: single nucleotide variant.
Coding change: c.233A>G on transcript NM_198506.5 (MANE Select); coding-DNA position 233, A replaced by G.
Protein change: p.Tyr78Cys; replaces tyrosine 78 with cysteine.
Molecular consequence: missense variant.
Genome position (GRCh38, 1-based): chr4:109,851,620, A>G. VCF-style: chr4-109851620-A-G. GRCh37 (hg19) VCF-style: chr4-110772776-A-G.
Other names: short protein forms Y78C.
Identifiers: ClinVar variation 1953719 (VCV001953719.3), dbSNP rs540291338, ClinGen allele CA3042979.

ClinVar aggregate classification (germline): Uncertain significance (1 of 4 stars; one submission).

Allele frequency attached by ClinVar (database versions not stated): gnomAD exomes below 0.00001; gnomAD 0.00001; TOPMed 0.00001; ExAC 0.00005; 1000 Genomes Project 30x 0.00016; 1000 Genomes Project 0.00020.
gnomAD v4.1: 6 of 1,551,704 alleles (0.00039%); highest among the groups gnomAD compares: South Asian, 0.0024%; no homozygotes.

Submission:

Labcorp Genetics (formerly Invitae), Labcorp
Classification: Uncertain significance. Last evaluated: 2022-06-07. Review status: criteria provided, single submitter. Criteria: Invitae Variant Classification Sherloc (09022015). Collection method: clinical testing. Allele origin: germline.
Comment: In summary, the available evidence is currently insufficient to determine the role of this variant in disease. Therefore, it has been classified as a Variant of Uncertain Significance. Algorithms developed to predict the effect of missense changes on protein structure and function are either unavailable or do not agree on the potential impact of this missense change (SIFT: "Deleterious"; PolyPhen-2: "Probably Damaging"; Align-GVGD: "Class C0"). This variant has not been reported in the literature in individuals affected with LRIT3-related conditions. This variant is not present in population databases (gnomAD no frequency). This sequence change replaces tyrosine, which is neutral and polar, with cysteine, which is neutral and slightly polar, at codon 78 of the LRIT3 protein (p.Tyr78Cys).